The following is an entry in ClinVar:

NM_001379500.1(COL18A1):c.2161T>C (p.Ser721Pro)

Gene: COL18A1 (collagen type XVIII alpha 1 chain; plus strand). Cytogenetic location: 21q22.3.
Variant type: single nucleotide variant.
Coding change: c.2161T>C on transcript NM_001379500.1 (MANE Select); coding-DNA position 2161, T replaced by C.
Protein change: p.Ser721Pro; replaces serine 721 with proline.
Molecular consequence: missense variant.
Genome position (GRCh38, 1-based): chr21:45,492,538, T>C. VCF-style: chr21-45492538-T-C. GRCh37 (hg19) VCF-style: chr21-46912452-T-C.
Other names: c.2701T>C, p.Ser901Pro (NM_030582.4); c.3406T>C, p.Ser1136Pro (NM_130444.3); short protein forms S1136P, S721P, S901P.
Identifiers: ClinVar variation 1713903 (VCV001713903.5), dbSNP rs774425124, ClinGen allele CA10066865.

ClinVar aggregate classification (germline): Uncertain significance (1 of 4 stars; one submission).

gnomAD v4.1: 3 of 1,613,358 alleles (0.00019%); highest among the groups gnomAD compares: East Asian, 0.0045%; no homozygotes.

Submission:

Labcorp Genetics (formerly Invitae), Labcorp
Classification: Uncertain significance. Last evaluated: 2022-07-27. Review status: criteria provided, single submitter. Criteria: Invitae Variant Classification Sherloc (09022015). Collection method: clinical testing. Allele origin: germline.
Comment: This variant is present in population databases (rs774425124, gnomAD 0.01%). This variant has not been reported in the literature in individuals affected with COL18A1-related conditions. Experimental studies and prediction algorithms are not available or were not evaluated, and the functional significance of this variant is currently unknown. In summary, the available evidence is currently insufficient to determine the role of this variant in disease. Therefore, it has been classified as a Variant of Uncertain Significance. This sequence change replaces serine, which is neutral and polar, with proline, which is neutral and non-polar, at codon 721 of the COL18A1 protein (p.Ser721Pro).